The following is an entry in ClinVar:

ClinVar aggregate classification (germline): Uncertain significance (1 of 4 stars; one submission).

Submission:

Labcorp Genetics (formerly Invitae), Labcorp
Classification: Uncertain significance. Last evaluated: 2022-03-29. Review status: criteria provided, single submitter. Criteria: Invitae Variant Classification Sherloc (09022015). Collection method: clinical testing. Allele origin: germline.
Comment: This sequence change replaces phenylalanine, which is neutral and non-polar, with leucine, which is neutral and non-polar, at codon 235 of the POLE2 protein (p.Phe235Leu). This variant is not present in population databases (gnomAD no frequency). This variant has not been reported in the literature in individuals affected with POLE2-related conditions. Algorithms developed to predict the effect of missense changes on protein structure and function (SIFT, PolyPhen-2, Align-GVGD) all suggest that this variant is likely to be tolerated. In summary, the available evidence is currently insufficient to determine the role of this variant in disease. Therefore, it has been classified as a Variant of Uncertain Significance.

NM_002692.4(POLE2):c.705T>A (p.Phe235Leu)

Gene: POLE2 (DNA polymerase epsilon 2, accessory subunit; minus strand). Cytogenetic location: 14q21.3.
Variant type: single nucleotide variant.
Coding change: c.705T>A on transcript NM_002692.4 (MANE Select); coding-DNA position 705, T replaced by A.
Protein change: p.Phe235Leu; replaces phenylalanine 235 with leucine.
Molecular consequence: missense variant.
Genome position (GRCh38, 1-based): chr14:49,663,365, A>T on the plus strand (T>A on the coding strand, the complement: POLE2 is on the minus strand). VCF-style: chr14-49663365-A-T. GRCh37 (hg19) VCF-style: chr14-50130083-A-T.
Other names: c.627T>A, p.Phe209Leu (NM_001197330.2); c.705T>A, p.Phe235Leu (NM_001197331.3, NM_001348384.2); c.474T>A, p.Phe158Leu (NM_001348385.2); short protein forms F209L, F235L, F158L.
Identifiers: ClinVar variation 2119591 (VCV002119591.4), dbSNP rs1885229103, ClinGen allele CA389606342.